The following is an entry in ClinVar:

NM_001363711.2(DUOX2):c.4168A>C (p.Thr1390Pro)

Gene: DUOX2 (dual oxidase 2; minus strand). Cytogenetic location: 15q21.1.
Variant type: single nucleotide variant.
Coding change: c.4168A>C on transcript NM_001363711.2 (MANE Select); coding-DNA position 4168, A replaced by C.
Protein change: p.Thr1390Pro; replaces threonine 1390 with proline.
Molecular consequence: missense variant.
Genome position (GRCh38, 1-based): chr15:45,095,508, T>G on the plus strand (A>C on the coding strand, the complement: DUOX2 is on the minus strand). VCF-style: chr15-45095508-T-G. GRCh37 (hg19) VCF-style: chr15-45387706-T-G.
Other names: c.4168A>C, p.Thr1390Pro (NM_014080.5); c.4168A>C (NM_014080.4); short protein forms T1390P.
Identifiers: ClinVar variation 1355788 (VCV001355788.4), dbSNP rs1012156089, ClinGen allele CA270117205.

ClinVar aggregate classification (germline): Uncertain significance. Review status: criteria provided, multiple submitters, no conflicts (2 of 4 stars). 2 submissions from 2 submitters: Uncertain significance (2). Last evaluated 2023-11-15.

Conditions:
Inborn genetic diseases. Identifiers: MedGen C0950123, MeSH D030342.

Allele frequency attached by ClinVar (database versions not stated): gnomAD exomes below 0.00001; gnomAD 0.00007 and 0.00009; TOPMed 0.00012.
gnomAD v4.1: 16 of 1,613,862 alleles (0.00099%); highest among the groups gnomAD compares: Admixed American, 0.02%; no homozygotes.

Submissions (2):

Ambry Genetics
Classification: Uncertain significance for Inborn genetic diseases. Last evaluated: 2023-11-15. Review status: criteria provided, single submitter. Criteria: Ambry Variant Classification Scheme 2023. Collection method: clinical testing. Allele origin: germline.

Labcorp Genetics (formerly Invitae), Labcorp
Classification: Uncertain significance. Last evaluated: 2022-01-17. Review status: criteria provided, single submitter. Criteria: Invitae Variant Classification Sherloc (09022015). Collection method: clinical testing. Allele origin: germline.
Comment: This sequence change replaces threonine, which is neutral and polar, with proline, which is neutral and non-polar, at codon 1390 of the DUOX2 protein (p.Thr1390Pro). This variant is present in population databases (no rsID available, gnomAD 0.2%). This variant has not been reported in the literature in individuals affected with DUOX2-related conditions. Advanced modeling of protein sequence and biophysical properties (such as structural, functional, and spatial information, amino acid conservation, physicochemical variation, residue mobility, and thermodynamic stability) performed at Invitae indicates that this missense variant is expected to disrupt DUOX2 protein function. In summary, the available evidence is currently insufficient to determine the role of this variant in disease. Therefore, it has been classified as a Variant of Uncertain Significance.